The following is an entry in ClinVar:

ClinVar aggregate classification (germline): Uncertain significance. Review status: criteria provided, multiple submitters, no conflicts (2 of 4 stars). 2 submissions from 2 submitters: Uncertain significance (2). Last evaluated 2025-04-04.

Submissions (2):

Labcorp Genetics (formerly Invitae), Labcorp
Classification: Uncertain significance. Last evaluated: 2025-04-04. Review status: criteria provided, single submitter. Criteria: Invitae Variant Classification Sherloc (09022015). Collection method: clinical testing. Allele origin: germline.
Comment: This sequence change replaces proline, which is neutral and non-polar, with serine, which is neutral and polar, at codon 400 of the IRF2BP2 protein (p.Pro400Ser). This variant is present in population databases (rs779000897, gnomAD 0.01%). This variant has not been reported in the literature in individuals affected with IRF2BP2-related conditions. ClinVar contains an entry for this variant (Variation ID: 3529999). An algorithm developed to predict the effect of missense changes on protein structure and function (PolyPhen-2) suggests that this variant is likely to be disruptive. In summary, the available evidence is currently insufficient to determine the role of this variant in disease. Therefore, it has been classified as a Variant of Uncertain Significance.

Ambry Genetics
Classification: Uncertain significance. Last evaluated: 2024-07-10. Review status: criteria provided, single submitter. Criteria: Ambry Variant Classification Scheme 2023. Collection method: clinical testing. Allele origin: germline.

NM_182972.3(IRF2BP2):c.1198C>T (p.Pro400Ser)

Gene: IRF2BP2 (interferon regulatory factor 2 binding protein 2; minus strand). Cytogenetic location: 1q42.3.
Variant type: single nucleotide variant.
Coding change: c.1198C>T on transcript NM_182972.3 (MANE Select); coding-DNA position 1198, C replaced by T.
Protein change: p.Pro400Ser; replaces proline 400 with serine.
Molecular consequence: missense variant.
Genome position (GRCh38, 1-based): chr1:234,607,703, G>A on the plus strand (C>T on the coding strand, the complement: IRF2BP2 is on the minus strand). VCF-style: chr1-234607703-G-A. GRCh37 (hg19) VCF-style: chr1-234743449-G-A.
Other names: c.1150C>T, p.Pro384Ser (NM_001077397.1); short protein forms P384S, P400S.
Identifiers: ClinVar variation 3529999 (VCV003529999.2).
Genomic context (GRCh38, chr1:234,607,703, plus strand): 5'-TCTGGGCCGCTTCAGGCGGTGTGGTCCGGTTGGAATGAGGTGAGGCAGTGGGTGGTGGCG[G>A]AGACACAAAAGAGGATGTAGGAGTCATGGGGATCTTGAGCCCCTCTGTGGATGTGGACAG-3'
Protein context (NP_892017.2, residues 390-410): PMTPTSSFVS[Pro400Ser]PPPTASPHSN